The following is an entry in ClinVar:

NM_004186.5(SEMA3F):c.2251C>T (p.Arg751Cys)

Gene: SEMA3F (semaphorin 3F; plus strand). Cytogenetic location: 3p21.31.
Variant type: single nucleotide variant.
Coding change: c.2251C>T on transcript NM_004186.5 (MANE Select); coding-DNA position 2251, C replaced by T.
Protein change: p.Arg751Cys; replaces arginine 751 with cysteine.
Molecular consequence: missense variant.
Genome position (GRCh38, 1-based): chr3:50,188,008, C>T. VCF-style: chr3-50188008-C-T. GRCh37 (hg19) VCF-style: chr3-50225441-C-T.
Other names: c.1954C>T, p.Arg652Cys (NM_001318798.2); c.2158C>T, p.Arg720Cys (NM_001318800.2); short protein forms R652C, R720C, R751C.
Identifiers: ClinVar variation 3351974 (VCV003351974.1).
Genomic context (GRCh38, chr3:50,188,008, plus strand): 5'-GCCCAGCTGCTGGCCCAGCCAGAAGTGGGCCTCATCCACCAGTACTGCCAGGGTTACTGG[C>T]GCCATGTGCCCCCCAGCCCCAGGGAGGCTCCAGGGGCACCCCGGTCTCCTGAGCCCCAGG-3'
Protein context (NP_004177.3, residues 741-761): LIHQYCQGYW[Arg751Cys]HVPPSPREAP

ClinVar aggregate classification (germline): Uncertain significance (0 of 4 stars; one submission).

Conditions:
SEMA3F-related disorder. Also called: SEMA3F-related condition.

Submission:

PreventionGenetics, part of Exact Sciences
Classification: Uncertain significance for SEMA3F-related condition. Last evaluated: 2024-08-15. Review status: no assertion criteria provided. Collection method: clinical testing. Allele origin: germline.
Comment: The SEMA3F c.2251C>T variant is predicted to result in the amino acid substitution p.Arg751Cys. To our knowledge, this variant has not been reported in the literature. This variant is reported in 0.0060% of alleles in individuals of East Asian descent in gnomAD. At this time, the clinical significance of this variant is uncertain due to the absence of conclusive functional and genetic evidence.